The following is an entry in ClinVar:

NC_000007.13:g.(?_124510955)_(124511105_?)del

Gene: POT1 (protection of telomeres 1; minus strand). Cytogenetic location: 7q31.33.
Variant type: Deletion.
Identifiers: ClinVar variation 3245819 (VCV003245819.1).

ClinVar aggregate classification (germline): Pathogenic (1 of 4 stars; one submission).

Conditions:
Tumor predisposition syndrome 3 (TPDS3). Also called: Glioma susceptibility 9; LONG TELOMERE SYNDROME, POT1-RELATED; POT1 Tumor Predisposition; Melanoma, cutaneous malignant, susceptibility to, 10. Identifiers: Orphanet 618, MedGen C4014476, MONDO:0014368, OMIM 615848.

Submission:

Labcorp Genetics (formerly Invitae), Labcorp
Classification: Pathogenic for Tumor predisposition syndrome 3. Last evaluated: 2023-11-02. Review status: criteria provided, single submitter. Criteria: Invitae Variant Classification Sherloc (09022015). Collection method: clinical testing. Allele origin: unknown.
Comment: This variant is a gross deletion of the genomic region encompassing exon(s) 7 of the POT1 gene. This deletion is out-of-frame, and is expected to create a premature termination codon and result in an absent or disrupted protein product. Loss-of-function variants in POT1 are known to be pathogenic (PMID: 32155570). This variant has not been reported in the literature in individuals affected with POT1-related conditions. For these reasons, this variant has been classified as Pathogenic.

Literature cited by the submitters: PubMed 32155570.